The following is an entry in ClinVar:

ClinVar aggregate classification (germline): Likely benign (0 of 4 stars; one submission).

Conditions:
TOP2A-related disorder. Also called: TOP2A-related condition.

Allele frequency attached by ClinVar (database versions not stated): gnomAD 0.00001; TOPMed 0.00001.
gnomAD v4.1: 52 of 1,449,420 alleles (0.0036%); highest among the groups gnomAD compares: Non-Finnish European, 0.0048%; no homozygotes.

Submission:

PreventionGenetics, part of Exact Sciences
Classification: Likely benign for TOP2A-related condition. Last evaluated: 2019-09-05. Review status: no assertion criteria provided. Collection method: clinical testing. Allele origin: germline.
Comment: This variant is classified as likely benign based on ACMG/AMP sequence variant interpretation guidelines (Richards et al. 2015 PMID: 25741868, with internal and published modifications).

NM_001067.4(TOP2A):c.366A>G (p.Gly122=)

Gene: TOP2A (DNA topoisomerase II alpha; minus strand). Cytogenetic location: 17q21.2.
Variant type: single nucleotide variant.
Coding change: c.366A>G on transcript NM_001067.4 (MANE Select); coding-DNA position 366, A replaced by G.
Protein change: p.Gly122=; no amino-acid change (glycine 122 retained).
Molecular consequence: synonymous variant.
Genome position (GRCh38, 1-based): chr17:40,413,592, T>C on the plus strand (A>G on the coding strand, the complement: TOP2A is on the minus strand). VCF-style: chr17-40413592-T-C. GRCh37 (hg19) VCF-style: chr17-38569844-T-C.
Identifiers: ClinVar variation 3053597 (VCV003053597.2), dbSNP rs1047615718, ClinGen allele CA290529602.
Genomic context (GRCh38, chr17:40,413,592, plus strand): 5'-AAATATGAGAGCTGGGACATACATCTTTTCAACTTTGTGTTCAACAACAGGAATACCTTT[T>C]CCATTATTCCATATACTAATTAAATTGTTTTCCCTAAGAAAAAAAGATTGAAAATTGTAT-3'
Protein context (NP_001058.2, residues 112-132): ENNLISIWNN[Gly122=]KGIPVVEHKV